The following is an entry in ClinVar:

ClinVar aggregate classification (germline): Pathogenic (1 of 4 stars; one submission).

Submission:

Labcorp Genetics (formerly Invitae), Labcorp
Classification: Pathogenic. Last evaluated: 2024-11-03. Review status: criteria provided, single submitter. Criteria: Invitae Variant Classification Sherloc (09022015). Collection method: clinical testing. Allele origin: germline.
Comment: This sequence change creates a premature translational stop signal (p.Ala333Argfs*66) in the PTH1R gene. It is expected to result in an absent or disrupted protein product. Loss-of-function variants in PTH1R are known to be pathogenic (PMID: 10523019, 17164305, 24058597). This variant is not present in population databases (gnomAD no frequency). This premature translational stop signal has been observed in individual(s) with primary failure of tooth eruption (PMID: 24300310). It has also been observed to segregate with disease in related individuals. For these reasons, this variant has been classified as Pathogenic.

Literature cited by the submitters: PubMed 10523019; PubMed 17164305; PubMed 24058597; PubMed 24300310.

NM_000316.3(PTH1R):c.996dup (p.Ala333fs)

Gene: PTH1R (parathyroid hormone 1 receptor; plus strand). Cytogenetic location: 3p21.31.
Variant type: Duplication.
Coding change: c.996dup on transcript NM_000316.3 (MANE Select); coding-DNA position 996, one base duplicated (C; older notation c.996dupC).
Protein change: p.Ala333fs; shifts the reading frame from alanine 333.
Molecular consequence: frameshift variant.
Genome position (GRCh38, 1-based): chr3:46,901,032, C duplicated; the last of 3 consecutive C bases (chr3:46,901,030-46,901,032); duplicating any one gives the same sequence. VCF-style (leftmost placement, unchanged base first): chr3-46901029-G-GC. GRCh37 (hg19) VCF-style: chr3-46942519-G-GC.
Other names: c.996dup, p.Ala333fs (NM_001184744.1); short protein forms A333fs.
Identifiers: ClinVar variation 3720496 (VCV003720496.2).